The following is an entry in ClinVar:

NM_006939.4(SOS2):c.2491C>T (p.Leu831Phe)

Gene: SOS2 (SOS Ras/Rho guanine nucleotide exchange factor 2; minus strand). Cytogenetic location: 14q21.3.
Variant type: single nucleotide variant.
Coding change: c.2491C>T on transcript NM_006939.4 (MANE Select); coding-DNA position 2491, C replaced by T.
Protein change: p.Leu831Phe; replaces leucine 831 with phenylalanine.
Molecular consequence: missense variant.
Genome position (GRCh38, 1-based): chr14:50,145,490, G>A on the plus strand (C>T on the coding strand, the complement: SOS2 is on the minus strand). VCF-style: chr14-50145490-G-A. GRCh37 (hg19) VCF-style: chr14-50612208-G-A.
Other names: c.2392C>T, p.Leu798Phe (NM_001411020.1); short protein forms L798F, L831F.
Identifiers: ClinVar variation 4975607 (VCV004975607.1).

ClinVar aggregate classification (germline): Uncertain significance (1 of 4 stars; one submission).

gnomAD v4.1: 1 of 1,603,438 alleles (0.000062%); no homozygotes.

Submission:

GeneDx
Classification: Uncertain significance. Last evaluated: 2026-01-26. Review status: criteria provided, single submitter. Criteria: GeneDx Variant Classification Process June 2021. Collection method: clinical testing. Allele origin: germline.
Comment: Not observed at significant frequency in large population cohorts (gnomAD); In silico analysis suggests that this missense variant does not alter protein structure/function; Has not been previously published as pathogenic or benign to our knowledge